The following is an entry in ClinVar:

ClinVar aggregate classification (germline): Benign (1 of 4 stars; one submission).

Allele frequency attached by ClinVar (database versions not stated): 1000 Genomes Project 30x 0.81746; gnomAD 0.75383 and 0.76137; 1000 Genomes Project 0.82608; TOPMed 0.75544; gnomAD exomes 0.75910.
gnomAD v4.1: 748,149 of 984,712 alleles (76%); highest among the groups gnomAD compares: East Asian, 99%; 284,830 homozygotes.

Submissions (4):

GeneDx
Classification: Benign. Last evaluated: 2018-06-18. Review status: criteria provided, single submitter. Criteria: GeneDx Variant Classification (06012015). Collection method: clinical testing. Allele origin: germline. Affected: yes.
Comment: This variant is considered likely benign or benign based on one or more of the following criteria: it is a conservative change, it occurs at a poorly conserved position in the protein, it is predicted to be benign by multiple in silico algorithms, and/or has population frequency not consistent with disease.

Dr. Peter K. Rogan Lab, Western University
No classification provided (evidence only). Condition: Thyroid cancer, nonmedullary, 1. Review status: no classification provided. Collection method: in vitro. Allele origin: not applicable. Functional consequence: retained intron. Not counted in ClinVar's aggregate classification.

Dr. Peter K. Rogan Lab, Western University
No classification provided (evidence only). Condition: Nonpapillary renal cell carcinoma. Review status: no classification provided. Collection method: in vitro. Allele origin: not applicable. Functional consequence: retained intron. Not counted in ClinVar's aggregate classification.

Dr. Peter K. Rogan Lab, Western University
No classification provided (evidence only). Condition: Nonpapillary renal cell carcinoma. Review status: no classification provided. Collection method: in vitro. Allele origin: not applicable. Functional consequence: retained intron. Not counted in ClinVar's aggregate classification.

NM_016203.4(PRKAG2):c.1679-258A>G

Gene: PRKAG2 (protein kinase AMP-activated non-catalytic subunit gamma 2; minus strand). Cytogenetic location: 7q36.1.
Variant type: single nucleotide variant.
Coding change: c.1679-258A>G on transcript NM_016203.4 (MANE Select); 258 bases into the intron before coding-DNA position 1679, A replaced by G.
Molecular consequence: intron variant.
Genome position (GRCh38, 1-based): chr7:151,557,490, T>C on the plus strand (A>G on the coding strand, the complement: PRKAG2 is on the minus strand). VCF-style: chr7-151557490-T-C. GRCh37 (hg19) VCF-style: chr7-151254576-T-C.
Other names: NC_000007.13:g.151254576T>C; c.1547-258A>G (NM_001040633.2); c.1304-258A>G (NM_001304527.2); c.1307-258A>G (NM_001363698.2); c.956-258A>G (NM_001304531.2, NM_024429.2).
Identifiers: ClinVar variation 683629 (VCV000683629.2), dbSNP rs6945103, ClinGen allele CA12693147.